The following is an entry in ClinVar:

ClinVar aggregate classification (germline): Likely pathogenic (1 of 4 stars; one submission).

Conditions:
GNPTAB-mucolipidosis. Also called: UDP-N-acetylglucosamine-1-phosphotransferase subunit alpha/beta deficiency. Identifiers: MedGen CN322573, MONDO:0100122.

Submission:

Myriad Genetics, Inc.
Classification: Likely pathogenic for GNPTAB-mucolipidosis. Last evaluated: 2019-12-28. Review status: criteria provided, single submitter. Criteria: Myriad Autosomal Dominant, Autosomal Recessive and X-Linked Classification Criteria (2023). Collection method: clinical testing. Allele origin: unknown.
Comment: NM_024312.4(GNPTAB):c.680T>A(L227*) is expected to be pathogenic in the context of GNPTAB-related disorders. This variant is predicted to lead to an abnormal or absent protein product due to the creation of a premature termination codon in GNPTAB, a gene where loss-of-function variants are known to be pathogenic. Please note: this variant was assessed in the context of healthy population screening.

NM_024312.5(GNPTAB):c.680T>A (p.Leu227Ter)

Gene: GNPTAB (N-acetylglucosamine-1-phosphate transferase subunits alpha and beta; minus strand). Cytogenetic location: 12q23.2.
Variant type: single nucleotide variant.
Coding change: c.680T>A on transcript NM_024312.5 (MANE Select); coding-DNA position 680, T replaced by A.
Protein change: p.Leu227Ter; replaces leucine 227 with a stop codon.
Molecular consequence: nonsense.
Genome position (GRCh38, 1-based): chr12:101,780,243, A>T on the plus strand (T>A on the coding strand, the complement: GNPTAB is on the minus strand). VCF-style: chr12-101780243-A-T. GRCh37 (hg19) VCF-style: chr12-102174021-A-T.
Other names: short protein forms L227*.
Identifiers: ClinVar variation 984026 (VCV000984026.4), dbSNP rs1953321606, ClinGen allele CA386304510.
Genomic context (GRCh38, chr12:101,780,243, plus strand): 5'-AATTTTGTTTTTAGTTGATTTGTTTCCTTGAATGTTGGTGGAAATCCACTCAGGAAAGCC[A>T]AATCTTGCATTAGCACTAATCCAGGGACTTCTTTATCTGTTGTCTAAAATAAGGGGAAAA-3'